The following is an entry in ClinVar:

NM_017534.6(MYH2):c.3869C>G (p.Ser1290Cys)

Genes: MYH2 (myosin heavy chain 2; minus strand), MYHAS (myosin heavy chain gene cluster antisense RNA; plus strand). Cytogenetic location: 17p13.1.
Variant type: single nucleotide variant.
Coding change: c.3869C>G on transcript NM_017534.6 (MANE Select); coding-DNA position 3869, C replaced by G.
Protein change: p.Ser1290Cys; replaces serine 1290 with cysteine.
Molecular consequence: missense variant.
Genome position (GRCh38, 1-based): chr17:10,527,750, G>C on the plus strand (C>G on the coding strand, the complement: MYH2 is on the minus strand). VCF-style: chr17-10527750-G-C. GRCh37 (hg19) VCF-style: chr17-10431067-G-C.
Other names: c.3869C>G, p.Ser1290Cys (NM_001100112.2); short protein forms S1290C.
Identifiers: ClinVar variation 3369403 (VCV003369403.1).
Genomic context (GRCh38, chr17:10,527,750, plus strand): 5'-CGTTGTTCTTAATCACATCCTCTCCACCCTGAAGCTGCACAGAAGAGGGGAGAGTTACCA[G>C]ATTCAGTCTGCAGGCGCCCCCTCTGCGCAGTCAGGTCATTGATCAGCCGCTGCTGCTCCT-3'
Protein context (NP_060004.3, residues 1280-1300): TAQRGRLQTE[Ser1290Cys]GEFSRQLDEK

ClinVar aggregate classification (germline): Uncertain significance (1 of 4 stars; one submission).

Submission:

GeneDx
Classification: Uncertain significance. Last evaluated: 2024-02-17. Review status: criteria provided, single submitter. Criteria: GeneDx Variant Classification Process June 2021. Collection method: clinical testing. Allele origin: germline. Affected: yes.
Comment: Not observed at significant frequency in large population cohorts (gnomAD); In silico analysis supports that this missense variant has a deleterious effect on protein structure/function; In silico analysis suggests this variant may impact gene splicing. In the absence of RNA/functional studies, the actual effect of this sequence change is unknown.; Has not been previously published as pathogenic or benign to our knowledge